The following is an entry in ClinVar:

NM_015450.3(POT1):c.983G>T (p.Arg328Ile)

Gene: POT1 (protection of telomeres 1; minus strand). Cytogenetic location: 7q31.33.
Variant type: single nucleotide variant.
Coding change: c.983G>T on transcript NM_015450.3 (MANE Select); coding-DNA position 983, G replaced by T.
Protein change: p.Arg328Ile; replaces arginine 328 with isoleucine.
Molecular consequence: missense variant. On other transcripts: non-coding transcript variant (3).
Genome position (GRCh38, 1-based): chr7:124,846,965, C>A on the plus strand (G>T on the coding strand, the complement: POT1 is on the minus strand). VCF-style: chr7-124846965-C-A. GRCh37 (hg19) VCF-style: chr7-124487019-C-A.
Other names: c.590G>T, p.Arg197Ile (NM_001042594.2); short protein forms R328I, R197I.
Identifiers: ClinVar variation 3658263 (VCV003658263.2).

ClinVar aggregate classification (germline): Uncertain significance (1 of 4 stars; one submission).

Conditions:
Tumor predisposition syndrome 3 (TPDS3). Also called: Melanoma, cutaneous malignant, susceptibility to, 10; Glioma susceptibility 9; LONG TELOMERE SYNDROME, POT1-RELATED; POT1 Tumor Predisposition. Identifiers: Orphanet 618, MedGen C4014476, MONDO:0014368, OMIM 615848.

Submission:

Labcorp Genetics (formerly Invitae), Labcorp
Classification: Uncertain significance for Tumor predisposition syndrome 3. Last evaluated: 2025-09-10. Review status: criteria provided, single submitter. Criteria: Invitae Variant Classification Sherloc (09022015). Collection method: clinical testing. Allele origin: germline.
Comment: This sequence change replaces arginine, which is basic and polar, with isoleucine, which is neutral and non-polar, at codon 328 of the POT1 protein (p.Arg328Ile). This variant is not present in population databases (gnomAD no frequency). This variant has not been reported in the literature in individuals affected with POT1-related conditions. ClinVar contains an entry for this variant (Variation ID: 3658263). Invitae Evidence Modeling of protein sequence and biophysical properties (such as structural, functional, and spatial information, amino acid conservation, physicochemical variation, residue mobility, and thermodynamic stability) indicates that this missense variant is not expected to disrupt POT1 protein function with a negative predictive value of 80%. In summary, the available evidence is currently insufficient to determine the role of this variant in disease. Therefore, it has been classified as a Variant of Uncertain Significance.